The following is an entry in ClinVar:

NM_001384253.1(PTCHD4):c.189C>G (p.Pro63=)

Gene: PTCHD4 (patched domain containing 4; minus strand). Cytogenetic location: 6p12.3.
Variant type: single nucleotide variant.
Coding change: c.189C>G on transcript NM_001384253.1 (MANE Select); coding-DNA position 189, C replaced by G.
Protein change: p.Pro63=; no amino-acid change (proline 63 retained).
Molecular consequence: synonymous variant.
Genome position (GRCh38, 1-based): chr6:48,068,458, G>C on the plus strand (C>G on the coding strand, the complement: PTCHD4 is on the minus strand). VCF-style: chr6-48068458-G-C. GRCh37 (hg19) VCF-style: chr6-48036194-G-C.
Other names: c.198C>G, p.Pro66= (NM_001013732.4, NM_207499.2); c.189C>G, p.Pro63= (NM_001410910.1).
Identifiers: ClinVar variation 2656635 (VCV002656635.24), dbSNP rs780659610, ClinGen allele CA3846560.

ClinVar aggregate classification (germline): Likely benign (1 of 4 stars; one submission).

Allele frequency attached by ClinVar (database versions not stated): gnomAD 0.00001; TOPMed 0.00002; ExAC 0.00003.
gnomAD v4.1: 94 of 1,613,574 alleles (0.0058%); highest among the groups gnomAD compares: South Asian, 0.012%; no homozygotes.

Submission:

CeGaT Center for Human Genetics Tuebingen
Classification: Likely benign. Last evaluated: 2024-02-01. Review status: criteria provided, single submitter. Criteria: CeGaT Center For Human Genetics Tuebingen Variant Classification Criteria Version 2. Collection method: clinical testing. Allele origin: germline. Affected: yes. Observed: 1 variant allele.
Comment: PTCHD4: BP4, BP7